The following is an entry in ClinVar:

ClinVar aggregate classification (germline): Uncertain significance. Review status: criteria provided, multiple submitters, no conflicts (2 of 4 stars). 3 submissions from 3 submitters: Uncertain significance (2). 1 of the submissions does not count toward it. Last evaluated 2023-11-17.

Conditions:
Hereditary nonpolyposis colorectal neoplasms. Identifiers: MedGen C0009405, MeSH D003123.
Hereditary cancer-predisposing syndrome. Also called: Neoplastic Syndromes, Hereditary; Tumor predisposition; Hereditary Cancer Syndrome; Hereditary neoplastic syndrome. Identifiers: Orphanet 140162, MedGen C0027672, MeSH D009386, MONDO:0015356.

Submissions (3):

Labcorp Genetics (formerly Invitae), Labcorp
Classification: Uncertain significance for Hereditary nonpolyposis colorectal neoplasms. Last evaluated: 2023-11-17. Review status: criteria provided, single submitter. Criteria: Invitae Variant Classification Sherloc (09022015). Collection method: clinical testing. Allele origin: germline.
Comment: This sequence change replaces lysine, which is basic and polar, with arginine, which is basic and polar, at codon 923 of the MSH6 protein (p.Lys923Arg). This variant is not present in population databases (gnomAD no frequency). This variant has not been reported in the literature in individuals affected with MSH6-related conditions. ClinVar contains an entry for this variant (Variation ID: 483880). Advanced modeling of protein sequence and biophysical properties (such as structural, functional, and spatial information, amino acid conservation, physicochemical variation, residue mobility, and thermodynamic stability) performed at Invitae indicates that this missense variant is not expected to disrupt MSH6 protein function with a negative predictive value of 95%. In summary, the available evidence is currently insufficient to determine the role of this variant in disease. Therefore, it has been classified as a Variant of Uncertain Significance.

Ambry Genetics
Classification: Uncertain significance for Hereditary cancer-predisposing syndrome. Last evaluated: 2017-08-02. Review status: criteria provided, single submitter. Criteria: Ambry Variant Classification Scheme 2023. Collection method: clinical testing. Allele origin: germline.
Comment: The p.K923R variant (also known as c.2768A>G), located in coding exon 4 of the MSH6 gene, results from an A to G substitution at nucleotide position 2768. The lysine at codon 923 is replaced by arginine, an amino acid with highly similar properties. This amino acid position is not well conserved in available vertebrate species, and arginine is the reference amino acid in other vertebrate species. In addition, this alteration is predicted to be tolerated by in silico analysis. In addition, the CoDP in silico tool predicts this alteration to have minor impact on molecular function, with a score of 0.001 (Terui H et al. J. Biomed. Sci. 2013 Apr;20:25). Since supporting evidence is limited at this time, the clinical significance of this alteration remains unclear.

Department of Pathology and Laboratory Medicine, Sinai Health System
Classification: Uncertain significance. Review status: no assertion criteria provided. Collection method: clinical testing. Allele origin: unknown. Affected: yes. Study: The Canadian Open Genetics Repository (COGR). Not counted in ClinVar's aggregate classification.

NM_000179.3(MSH6):c.2768A>G (p.Lys923Arg)

Gene: MSH6 (mutS homolog 6; plus strand). Cytogenetic location: 2p16.3.
Variant type: single nucleotide variant.
Coding change: c.2768A>G on transcript NM_000179.3 (MANE Select); coding-DNA position 2768, A replaced by G.
Protein change: p.Lys923Arg; replaces lysine 923 with arginine.
Molecular consequence: missense variant.
Genome position (GRCh38, 1-based): chr2:47,800,751, A>G. VCF-style: chr2-47800751-A-G. GRCh37 (hg19) VCF-style: chr2-48027890-A-G.
Other names: c.2378A>G, p.Lys793Arg (NM_001281492.2); c.1862A>G, p.Lys621Arg (NM_001281493.2, NM_001281494.2); short protein forms K923R, K621R, K793R.
Identifiers: ClinVar variation 483880 (VCV000483880.12), dbSNP rs1553414124, ClinGen allele CA346755454.